The following is an entry in ClinVar:

ClinVar aggregate classification (germline): Uncertain significance (1 of 4 stars; one submission).

Conditions:
Hepatic methionine adenosyltransferase deficiency. Also called: MAT I/III DEFICIENCY; Methionine adenosyltransferase deficiency; Deficiency of methionine adenosyltransferase; Isolated Persistent Hypermethioninemia. Identifiers: Orphanet 168598, MedGen C0268621, MeSH C564683, MONDO:0009607, OMIM 250850.

Submission:

Labcorp Genetics (formerly Invitae), Labcorp
Classification: Uncertain significance for Hepatic methionine adenosyltransferase deficiency. Last evaluated: 2026-01-27. Review status: criteria provided, single submitter. Criteria: Invitae Variant Classification Sherloc (09022015). Collection method: clinical testing. Allele origin: germline.
Comment: This sequence change replaces alanine, which is neutral and non-polar, with serine, which is neutral and polar, at codon 118 of the MAT1A protein (p.Ala118Ser). This variant is not present in population databases (gnomAD no frequency). This variant has not been reported in the literature in individuals affected with MAT1A-related conditions. Invitae Evidence Modeling of protein sequence and biophysical properties (such as structural, functional, and spatial information, amino acid conservation, physicochemical variation, residue mobility, and thermodynamic stability) indicates that this missense variant is not expected to disrupt MAT1A protein function with a negative predictive value of 80%. In summary, the available evidence is currently insufficient to determine the role of this variant in disease. Therefore, it has been classified as a Variant of Uncertain Significance.

NM_000429.3(MAT1A):c.352G>T (p.Ala118Ser)

Gene: MAT1A (methionine adenosyltransferase 1A; minus strand). Cytogenetic location: 10q22.3.
Variant type: single nucleotide variant.
Coding change: c.352G>T on transcript NM_000429.3 (MANE Select); coding-DNA position 352, G replaced by T.
Protein change: p.Ala118Ser; replaces alanine 118 with serine.
Molecular consequence: missense variant.
Genome position (GRCh38, 1-based): chr10:80,280,733, C>A on the plus strand (G>T on the coding strand, the complement: MAT1A is on the minus strand). VCF-style: chr10-80280733-C-A. GRCh37 (hg19) VCF-style: chr10-82040489-C-A.
Other names: short protein forms A118S.
Identifiers: ClinVar variation 4805997 (VCV004805997.1).